The following is an entry in ClinVar:

NM_001080517.3(SETD5):c.7A>G (p.Ile3Val)

Gene: SETD5 (SET domain containing 5; plus strand). Cytogenetic location: 3p25.3.
Variant type: single nucleotide variant.
Coding change: c.7A>G on transcript NM_001080517.3 (MANE Select); coding-DNA position 7, A replaced by G.
Protein change: p.Ile3Val; replaces isoleucine 3 with valine.
Molecular consequence: missense variant. On other transcripts: 5 prime UTR variant (2).
Genome position (GRCh38, 1-based): chr3:9,428,945, A>G. VCF-style: chr3-9428945-A-G. GRCh37 (hg19) VCF-style: chr3-9470629-A-G.
Other names: c.-552A>G (NM_001292043.2); c.-593A>G (NM_001349451.2); short protein forms I3V.
Identifiers: ClinVar variation 3370228 (VCV003370228.1).

ClinVar aggregate classification (germline): Uncertain significance (1 of 4 stars; one submission).

Submission:

GeneDx
Classification: Uncertain significance. Last evaluated: 2023-12-21. Review status: criteria provided, single submitter. Criteria: GeneDx Variant Classification Process June 2021. Collection method: clinical testing. Allele origin: germline. Affected: yes.
Comment: Not observed at significant frequency in large population cohorts (gnomAD); In silico analysis supports that this missense variant does not alter protein structure/function; Has not been previously published as pathogenic or benign to our knowledge